The following is an entry in ClinVar:

NM_001375834.1(WIPF1):c.420del (p.Ser142fs)

Gene: WIPF1 (WAS/WASL interacting protein family member 1; minus strand). Cytogenetic location: 2q31.1.
Variant type: Deletion.
Coding change: c.420del on transcript NM_001375834.1 (MANE Select); coding-DNA position 420, one base deleted (C; older notation c.420delC).
Protein change: p.Ser142fs; shifts the reading frame from serine 142.
Molecular consequence: frameshift variant. On other transcripts: intron variant (1).
Genome position (GRCh38, 1-based): chr2:174,572,385, G deleted on the plus strand (C on the coding strand, the reverse complement: WIPF1 is on the minus strand); the first of 3 consecutive G bases (chr2:174,572,385-174,572,387); deleting any one gives the same sequence. VCF-style (leftmost placement, unchanged base first): chr2-174572384-AG-A. GRCh37 (hg19) VCF-style: chr2-175437112-AG-A.
Other names: c.420del, p.Ser142fs (NM_001077269.1, NM_001375832.1, NM_001375833.1 and 5 more transcripts); c.182-140del (NM_001375839.1); short protein forms S142fs.
Identifiers: ClinVar variation 4732404 (VCV004732404.1).

ClinVar aggregate classification (germline): Pathogenic (1 of 4 stars; one submission).

Conditions:
Wiskott-Aldrich syndrome 2 (WAS2). Also called: WIPF1 DEFICIENCY. Identifiers: Orphanet 906, MedGen C3281001, MONDO:0013779, OMIM 614493.

Submission:

Labcorp Genetics (formerly Invitae), Labcorp
Classification: Pathogenic for Wiskott-Aldrich syndrome 2. Last evaluated: 2025-12-02. Review status: criteria provided, single submitter. Criteria: Invitae Variant Classification Sherloc (09022015). Collection method: clinical testing. Allele origin: germline.
Comment: This sequence change creates a premature translational stop signal (p.Ser142Hisfs*99) in the WIPF1 gene. It is expected to result in an absent or disrupted protein product. Loss-of-function variants in WIPF1 are known to be pathogenic (PMID: 22231303, 27742395). This variant is not present in population databases (gnomAD no frequency). This variant has not been reported in the literature in individuals affected with WIPF1-related conditions. For these reasons, this variant has been classified as Pathogenic.

Literature cited by the submitters: PubMed 22231303; PubMed 27742395.